The following is an entry in ClinVar:

ClinVar aggregate classification (germline): Uncertain significance. Review status: criteria provided, multiple submitters, no conflicts (2 of 4 stars). 2 submissions from 2 submitters: Uncertain significance (2). Last evaluated 2024-05-22.

Allele frequency attached by ClinVar (database versions not stated): gnomAD 0.00001; gnomAD exomes 0.00001; TOPMed 0.00001.
gnomAD v4.1: 16 of 1,613,564 alleles (0.00099%); highest among the groups gnomAD compares: Middle Eastern, 0.016%; no homozygotes.

Submissions (2):

Blueprint Genetics
Classification: Uncertain significance. Last evaluated: 2024-05-22. Review status: criteria provided, single submitter. Criteria: ACMG Guidelines, 2015. Collection method: clinical testing. Allele origin: germline.

Labcorp Genetics (formerly Invitae), Labcorp
Classification: Uncertain significance. Last evaluated: 2022-02-10. Review status: criteria provided, single submitter. Criteria: Invitae Variant Classification Sherloc (09022015). Collection method: clinical testing. Allele origin: germline.
Comment: This sequence change replaces lysine, which is basic and polar, with arginine, which is basic and polar, at codon 593 of the IMPG1 protein (p.Lys593Arg). This variant is not present in population databases (gnomAD no frequency). This variant has not been reported in the literature in individuals affected with IMPG1-related conditions. Algorithms developed to predict the effect of missense changes on protein structure and function output the following: SIFT: "Tolerated"; PolyPhen-2: "Probably Damaging"; Align-GVGD: "Class C0". The arginine amino acid residue is found in multiple mammalian species, which suggests that this missense change does not adversely affect protein function. Algorithms developed to predict the effect of sequence changes on RNA splicing suggest that this variant may create or strengthen a splice site. In summary, the available evidence is currently insufficient to determine the role of this variant in disease. Therefore, it has been classified as a Variant of Uncertain Significance.

NM_001563.4(IMPG1):c.1778A>G (p.Lys593Arg)

Gene: IMPG1 (interphotoreceptor matrix proteoglycan 1; minus strand). Cytogenetic location: 6q14.1.
Variant type: single nucleotide variant.
Coding change: c.1778A>G on transcript NM_001563.4 (MANE Select); coding-DNA position 1778, A replaced by G.
Protein change: p.Lys593Arg; replaces lysine 593 with arginine.
Molecular consequence: missense variant.
Genome position (GRCh38, 1-based): chr6:75,950,608, T>C on the plus strand (A>G on the coding strand, the complement: IMPG1 is on the minus strand). VCF-style: chr6-75950608-T-C. GRCh37 (hg19) VCF-style: chr6-76660325-T-C.
Other names: c.1544A>G, p.Lys515Arg (NM_001282368.2); short protein forms K593R, K515R.
Identifiers: ClinVar variation 1469458 (VCV001469458.9), dbSNP rs1339441760, ClinGen allele CA364776696.